The following is an entry in ClinVar:

ClinVar aggregate classification (germline): Uncertain significance (0 of 4 stars; one submission).

Allele frequency attached by ClinVar (database versions not stated): TOPMed below 0.00001; gnomAD exomes 0.00001 and 0.00002; ExAC 0.00002.
gnomAD v4.1: 8 of 1,613,990 alleles (0.0005%); highest among the groups gnomAD compares: South Asian, 0.0011%; no homozygotes.

Submission:

Department of Pathology and Laboratory Medicine, Sinai Health System
Classification: Uncertain significance. Review status: no assertion criteria provided. Collection method: clinical testing. Allele origin: unknown. Affected: yes. Study: The Canadian Open Genetics Repository (COGR).
Comment: The PDE10A p.Asn543Lys variant was not identified in the literature nor was it identified in ClinVar, Cosmic or LOVD 3.0. The variant was identified in dbSNP (ID: rs757846138) and in control databases in 4 of 251248 chromosomes at a frequency of 0.000016 (Genome Aggregation Database Feb 27, 2017). The variant was observed in the following populations: South Asian in 1 of 30614 chromosomes (freq: 0.000033) and European (non-Finnish) in 3 of 113566 chromosomes (freq: 0.000026), it was not observed in the African, Latino, Ashkenazi Jewish, East Asian, European (Finnish), and Other populations. The variant occurs outside of the splicing consensus sequence and in silico or computational prediction software programs (SpliceSiteFinder, MaxEntScan, NNSPLICE, GeneSplicer) do not predict a difference in splicing. The p.Asn543 residue is conserved in mammals but not in more distantly related organisms however four out of five computational analyses (PolyPhen-2, SIFT, AlignGVGD, BLOSUM, MutationTaster) do not suggest a high likelihood of impact to the protein; this information is not predictive enough to rule out pathogenicity. In summary, based on the above information the clinical significance of this variant cannot be determined with certainty at this time. This variant is classified as a variant of uncertain significance.

NM_001385079.1(PDE10A):c.2427C>A (p.Asn809Lys)

Gene: PDE10A (phosphodiesterase 10A; minus strand). Cytogenetic location: 6q27.
Variant type: single nucleotide variant.
Coding change: c.2427C>A on transcript NM_001385079.1 (MANE Select); coding-DNA position 2427, C replaced by A.
Protein change: p.Asn809Lys; replaces asparagine 809 with lysine.
Molecular consequence: missense variant.
Genome position (GRCh38, 1-based): chr6:165,392,673, G>T on the plus strand (C>A on the coding strand, the complement: PDE10A is on the minus strand). VCF-style: chr6-165392673-G-T. GRCh37 (hg19) VCF-style: chr6-165806162-G-T.
Other names: c.1629C>A, p.Asn543Lys (NM_001130690.3); c.1599C>A, p.Asn533Lys (NM_006661.4); short protein forms N533K, N543K, N809K.
Identifiers: ClinVar variation 1050406 (VCV001050406.1), dbSNP rs757846138, ClinGen allele CA4092125.